The following is an entry in ClinVar:

ClinVar aggregate classification (germline): Uncertain significance. Review status: criteria provided, multiple submitters, no conflicts (2 of 4 stars). 2 submissions from 2 submitters: Uncertain significance (2). Last evaluated 2025-06-22.

Allele frequency attached by ClinVar (database versions not stated): gnomAD 0.00001; gnomAD exomes 0.00002; TOPMed 0.00002.
gnomAD v4.1: 25 of 1,614,036 alleles (0.0015%); highest among the groups gnomAD compares: Non-Finnish European, 0.002%; no homozygotes.

Submissions (2):

Labcorp Genetics (formerly Invitae), Labcorp
Classification: Uncertain significance. Last evaluated: 2025-06-22. Review status: criteria provided, single submitter. Criteria: Invitae Variant Classification Sherloc (09022015). Collection method: clinical testing. Allele origin: germline.
Comment: This sequence change replaces histidine, which is basic and polar, with arginine, which is basic and polar, at codon 35 of the DRAM2 protein (p.His35Arg). This variant is present in population databases (no rsID available, gnomAD 0.002%). This missense change has been observed in individual(s) with DRAM2-related conditions (PMID: 38219857). ClinVar contains an entry for this variant (Variation ID: 1951987). Invitae Evidence Modeling of protein sequence and biophysical properties (such as structural, functional, and spatial information, amino acid conservation, physicochemical variation, residue mobility, and thermodynamic stability) has been performed for this missense variant. However, the output from this modeling did not meet the statistical confidence thresholds required to predict the impact of this variant on DRAM2 protein function. In summary, the available evidence is currently insufficient to determine the role of this variant in disease. Therefore, it has been classified as a Variant of Uncertain Significance.

Blueprint Genetics
Classification: Uncertain significance. Last evaluated: 2020-01-31. Review status: criteria provided, single submitter. Criteria: ACMG Guidelines, 2015. Collection method: clinical testing. Allele origin: germline.

Literature cited by the submitters: PubMed 38219857 (cited by Labcorp Genetics (formerly Invitae), Labcorp).

NM_001349884.2(DRAM2):c.104A>G (p.His35Arg)

Gene: DRAM2 (DNA damage regulated autophagy modulator 2; minus strand). Cytogenetic location: 1p13.3.
Variant type: single nucleotide variant.
Coding change: c.104A>G on transcript NM_001349884.2 (MANE Select); coding-DNA position 104, A replaced by G.
Protein change: p.His35Arg; replaces histidine 35 with arginine.
Molecular consequence: missense variant. On other transcripts: 5 prime UTR variant (8), non-coding transcript variant (8).
Genome position (GRCh38, 1-based): chr1:111,131,451, T>C on the plus strand (A>G on the coding strand, the complement: DRAM2 is on the minus strand). VCF-style: chr1-111131451-T-C. GRCh37 (hg19) VCF-style: chr1-111674073-T-C.
Other names: c.104A>G, p.His35Arg (NM_001349881.2, NM_001349882.2, NM_001349885.2 and 1 more transcripts); c.-55A>G (NM_001349886.2, NM_001349887.2, NM_001349888.2); c.-147A>G (NM_001349889.2, NM_001349890.2, NM_001349892.2 and 1 more transcripts); c.-315A>G (NM_001349891.2); short protein forms H35R.
Identifiers: ClinVar variation 1951987 (VCV001951987.6), dbSNP rs1206192935, ClinGen allele CA341819660.